The following is an entry in ClinVar:

NM_016816.4(OAS1):c.-1_2del (p.Met2del)

Genes: OAS1 (2'-5'-oligoadenylate synthetase 1; plus strand), LOC130008812 (ATAC-STARR-seq lymphoblastoid active region 7052; plus strand). Cytogenetic location: 12q24.13.
Variant type: Deletion.
Coding change: c.-1_2del on transcript NM_016816.4 (MANE Select); 1 bases upstream of the start codon through coding-DNA position 2, 3 bases deleted (AAT; older notation c.-1_2delAAT).
Protein change: p.Met2del; deletes methionine 2.
Molecular consequence: initiator codon variant. On other transcripts: non-coding transcript variant (9).
Genome position (GRCh38, 1-based): chr12:112,907,039-112,907,041, AAT deleted. VCF-style (leftmost placement, unchanged base first): chr12-112907038-CAAT-C. GRCh37 (hg19) VCF-style: chr12-113344843-CAAT-C.
Other names: c.-1_2del, p.Met2del (NM_001032409.3, NM_001320151.2, NM_001406020.1 and 10 more transcripts); short protein forms M2del.
Identifiers: ClinVar variation 3691463 (VCV003691463.2).

ClinVar aggregate classification (germline): Uncertain significance (1 of 4 stars; one submission).

Submission:

Labcorp Genetics (formerly Invitae), Labcorp
Classification: Uncertain significance. Last evaluated: 2024-05-04. Review status: criteria provided, single submitter. Criteria: Invitae Variant Classification Sherloc (09022015). Collection method: clinical testing. Allele origin: germline.
Comment: This sequence change affects the initiator methionine of the OAS1 mRNA. The next in-frame methionine is located at codon 2. This variant is present in population databases (no rsID available, gnomAD 0.0009%). This variant has not been reported in the literature in individuals affected with OAS1-related conditions. Experimental studies and prediction algorithms are not available or were not evaluated, and the functional significance of this variant is currently unknown. In summary, the available evidence is currently insufficient to determine the role of this variant in disease. Therefore, it has been classified as a Variant of Uncertain Significance.